The following is an entry in ClinVar:

ClinVar aggregate classification (germline): Uncertain significance (1 of 4 stars; one submission).

Allele frequency attached by ClinVar (database versions not stated): ExAC 0.00002; gnomAD 0.00003; TOPMed 0.00005; ESP Exome Variant Server 0.00016.
gnomAD v4.1: 25 of 1,613,314 alleles (0.0015%); highest among the groups gnomAD compares: African/African-American, 0.011%; no homozygotes.

Submission:

Labcorp Genetics (formerly Invitae), Labcorp
Classification: Uncertain significance. Last evaluated: 2022-07-12. Review status: criteria provided, single submitter. Criteria: Invitae Variant Classification Sherloc (09022015). Collection method: clinical testing. Allele origin: germline.
Comment: In summary, the available evidence is currently insufficient to determine the role of this variant in disease. Therefore, it has been classified as a Variant of Uncertain Significance. Algorithms developed to predict the effect of sequence changes on RNA splicing suggest that this variant may create or strengthen a splice site. Algorithms developed to predict the effect of missense changes on protein structure and function are either unavailable or do not agree on the potential impact of this missense change (SIFT: "Deleterious"; PolyPhen-2: "Probably Damaging"; Align-GVGD: "Class C0"). This variant has not been reported in the literature in individuals affected with CNGB1-related conditions. This variant is present in population databases (rs201075437, gnomAD 0.02%). This sequence change replaces valine, which is neutral and non-polar, with phenylalanine, which is neutral and non-polar, at codon 791 of the CNGB1 protein (p.Val791Phe).

NM_001297.5(CNGB1):c.2371G>T (p.Val791Phe)

Gene: CNGB1 (cyclic nucleotide gated channel subunit beta 1; minus strand). Cytogenetic location: 16q21.
Variant type: single nucleotide variant.
Coding change: c.2371G>T on transcript NM_001297.5 (MANE Select); coding-DNA position 2371, G replaced by T.
Protein change: p.Val791Phe; replaces valine 791 with phenylalanine.
Molecular consequence: missense variant.
Genome position (GRCh38, 1-based): chr16:57,911,874, C>A on the plus strand (G>T on the coding strand, the complement: CNGB1 is on the minus strand). VCF-style: chr16-57911874-C-A. GRCh37 (hg19) VCF-style: chr16-57945778-C-A.
Other names: c.2353G>T, p.Val785Phe (NM_001286130.2); short protein forms V785F, V791F.
Identifiers: ClinVar variation 1962830 (VCV001962830.5), dbSNP rs201075437, ClinGen allele CA8083017.